The following is an entry in ClinVar:

ClinVar aggregate classification (germline): Uncertain significance. Review status: reviewed by expert panel (3 of 4 stars). 3 submissions from 3 submitters: Uncertain significance (1). 2 of the submissions do not count toward it. Last evaluated 2022-04-25.

Conditions:
Hereditary thrombocytopenia and hematological cancer predisposition syndrome associated with RUNX1. Also called: RUNX1 Familial Platelet Disorder with Associated Myeloid Malignancies; Familial Platelet Disorder with Propensity to Acute Myelogenous Leukemia; PLATELET DISORDER, ASPIRIN-LIKE; Familial thrombocytopenia with propensity to acute myelogenous leukemia. Identifiers: Orphanet 71290, MedGen C1832388, MeSH C563324, MONDO:0100083, OMIM 601399.
Inborn genetic diseases. Identifiers: MedGen C0950123, MeSH D030342.
Hereditary thrombocytopenia and hematologic cancer predisposition syndrome. Identifiers: Orphanet 71290, MedGen CN281654, MONDO:0011071.

Submissions (3):

ClinGen Myeloid Malignancy Variant Curation Expert Panel
Classification: Uncertain significance for Hereditary thrombocytopenia and hematologic cancer predisposition syndrome. Last evaluated: 2022-04-25. Review status: reviewed by expert panel. Criteria: ClinGen MyeloMalig ACMG Specifications v2. Collection method: curation. Allele origin: germline. Inheritance: Autosomal dominant inheritance.
Comment: NM_001754.5(RUNX1):c.717C>T (p.Ser239=) is a synonymous variant therefore no REVEL score and SpliceAI score donor gain 0.52 which is ≥0.38 (PP3). This variant is completely absent from all population databases with at least 20x coverage for RUNX1 (PM2_supporting). In summary, the clinical significance of this variant is uncertain. ACMG/AMP criteria applied, as specified by the Myeloid Malignancy Variant Curation Expert Panel for RUNX1: PM2_supporting, PP3.

Ambry Genetics
Classification: Uncertain significance for Inborn genetic diseases. Last evaluated: 2026-02-13. Review status: criteria provided, single submitter. Criteria: Ambry Variant Classification Scheme 2023. Collection method: clinical testing. Allele origin: germline. Not counted in ClinVar's aggregate classification.
Comment: The c.717C>T variant (also known as p.S239S), located in coding exon 6 of the RUNX1 gene, results from a C to T substitution at nucleotide position 717. This nucleotide substitution does not change the at codon 239. In silico splice site analysis predicts that this alteration will result in the creation or strengthening of a novel splice donor site; however, direct evidence is insufficient at this time (Ambry internal data). Based on the available evidence, the clinical significance of this variant remains unclear.

Labcorp Genetics (formerly Invitae), Labcorp
Classification: Likely benign for Hereditary thrombocytopenia and hematological cancer predisposition syndrome associated with RUNX1. Last evaluated: 2020-12-03. Review status: criteria provided, single submitter. Criteria: Invitae Variant Classification Sherloc (09022015). Collection method: clinical testing. Allele origin: germline. Not counted in ClinVar's aggregate classification.

NM_001754.5(RUNX1):c.717C>T (p.Ser239=)

Gene: RUNX1 (RUNX family transcription factor 1; minus strand). Cytogenetic location: 21q22.12.
Variant type: single nucleotide variant.
Coding change: c.717C>T on transcript NM_001754.5 (MANE Select); coding-DNA position 717, C replaced by T.
Protein change: p.Ser239=; no amino-acid change (serine 239 retained).
Molecular consequence: synonymous variant.
Genome position (GRCh38, 1-based): chr21:34,834,498, G>A on the plus strand (C>T on the coding strand, the complement: RUNX1 is on the minus strand). VCF-style: chr21-34834498-G-A. GRCh37 (hg19) VCF-style: chr21-36206795-G-A.
Other names: NM_001754.5(RUNX1):c.717C>T; p.Ser239=; c.636C>T, p.Ser212= (NM_001001890.3, NM_001122607.2).
Identifiers: ClinVar variation 747644 (VCV000747644.12), dbSNP rs1601415639, ClinGen allele CA512318611.